The following is an entry in ClinVar:

NM_000350.3(ABCA4):c.3840_3845del (p.1279DS[1])

Genes: ABCA4 (ATP binding cassette subfamily A member 4; minus strand), LOC126805794 (BRD4-independent group 4 enhancer GRCh37_chr1:94502188-94503387; plus strand). Cytogenetic location: 1p22.1.
Variant type: Deletion.
Coding change: c.3840_3845del on transcript NM_000350.3 (MANE Select); coding-DNA positions 3840 to 3845, 6 bases deleted (TGATTC; older notation c.3840_3845delTGATTC).
Protein change: p.1279DS[1].
Molecular consequence: inframe deletion. On other transcripts: inframe indel (1).
Genome position (GRCh38, 1-based): chr1:94,036,757-94,036,762, GAATCA deleted on the plus strand (TGATTC on the coding strand, the reverse complement: ABCA4 is on the minus strand); deleting any 6 consecutive bases within chr1:94,036,757-94,036,767 gives the same sequence; the c. name uses the placement nearest the transcript's 3' end. VCF-style (leftmost placement, unchanged base first): chr1-94036756-TGAATCA-T. GRCh37 (hg19) VCF-style: chr1-94502312-TGAATCA-T.
Other names: c.3840_3845del (NM_000350.2); c.3613_3618delGATTCT, p.Asp1207_Ser1208del (NM_001425324.1); c.3840_3845del6 (NM_000350.2).
Identifiers: ClinVar variation 298245 (VCV000298245.13), dbSNP rs62642572, ClinGen allele CA227140.
Genomic context (GRCh38, chr1:94,036,756, plus strand): 5'-AGGGAGGCAAGGAAGGGAACAAGCCACTGGCTCCAGCACCATACCCGCAAACAGAGGTCC[TGAATCA>T]GAATCCTCCGTGACCTTCAGAAAAATCTGTCAAGAAGAAAAAAAGAGAGAATTTTGTTTA-3'

ClinVar aggregate classification (germline): Uncertain significance. Review status: criteria provided, multiple submitters, no conflicts (2 of 4 stars). 4 submissions from 4 submitters: Uncertain significance (3). 1 of the submissions does not count toward it. Last evaluated 2026-08-30.

Conditions:
ABCA4-related disorder. Also called: ABCA4-related condition; ABCA4-related disorders. Identifiers: MedGen CN239167.

Submissions (4):

PreventionGenetics, part of Exact Sciences
Classification: Uncertain significance for ABCA4-related condition. Last evaluated: 2026-08-30. Review status: criteria provided, single submitter. Criteria: ACMG Guidelines, 2015. Collection method: clinical testing. Allele origin: germline.
Comment: The ABCA4 c.3840_3845del6 variant is predicted to result in an in-frame deletion (p.Asp1281_Ser1282del). This variant was reported in individuals with Stargardt disease/retinal dystrophy (reported as 3835delGATTCT in Webster et al. 2001. PubMed ID: 11328725; supplementary data, Sergouniotis et al. 2016. PubMed ID: 27628848; supplementary data, Lin et al. 2024. PubMed ID: 38219857). Authors of at least one publication, however, speculated that this variant may be benign (supplementary data, Cornelis et al. 2022. PubMed ID: 35120629). This variant is reported in 0.050% of alleles in individuals of European (Non-Finnish) descent in gnomAD. At this time, the clinical significance of this variant is uncertain due to the absence of conclusive functional and genetic evidence.

Blueprint Genetics
Classification: Uncertain significance. Last evaluated: 2024-10-25. Review status: criteria provided, single submitter. Criteria: ACMG Guidelines, 2015. Collection method: clinical testing. Allele origin: germline.

Labcorp Genetics (formerly Invitae), Labcorp
Classification: Uncertain significance. Last evaluated: 2022-10-24. Review status: criteria provided, single submitter. Criteria: Invitae Variant Classification Sherloc (09022015). Collection method: clinical testing. Allele origin: germline.
Comment: This variant, c.3840_3845del, results in the deletion of 2 amino acid(s) of the ABCA4 protein (p.Asp1281_Ser1282del), but otherwise preserves the integrity of the reading frame. This variant is present in population databases (rs544606479, gnomAD 0.05%). This variant has been observed in individual(s) with retinal dystrophy (PMID: 11328725, 27628848). ClinVar contains an entry for this variant (Variation ID: 298245). Experimental studies and prediction algorithms are not available or were not evaluated, and the functional significance of this variant is currently unknown. In summary, the available evidence is currently insufficient to determine the role of this variant in disease. Therefore, it has been classified as a Variant of Uncertain Significance.

Retina International
No classification provided. Review status: no classification provided. Collection method: not provided. Allele origin: not provided. Not counted in ClinVar's aggregate classification.

Literature cited by the submitters: PubMed 11328725 (cited by Labcorp Genetics (formerly Invitae), Labcorp); PubMed 27628848 (cited by Labcorp Genetics (formerly Invitae), Labcorp).